The following is an entry in ClinVar:

NM_001844.5(COL2A1):c.762+208G>A

Gene: COL2A1 (collagen type II alpha 1 chain; minus strand). Cytogenetic location: 12q13.11.
Variant type: single nucleotide variant.
Coding change: c.762+208G>A on transcript NM_001844.5 (MANE Select); 208 bases into the intron after coding-DNA position 762, G replaced by A.
Molecular consequence: intron variant.
Genome position (GRCh38, 1-based): chr12:47,995,047, C>T on the plus strand (G>A on the coding strand, the complement: COL2A1 is on the minus strand). VCF-style: chr12-47995047-C-T. GRCh37 (hg19) VCF-style: chr12-48388830-C-T.
Other names: c.555+208G>A (NM_033150.3).
Identifiers: ClinVar variation 677853 (VCV000677853.1), dbSNP rs2248990, ClinGen allele CA13687144.

ClinVar aggregate classification (germline): Benign (1 of 4 stars; one submission).

Allele frequency attached by ClinVar (database versions not stated): 1000 Genomes Project 30x 0.44300; 1000 Genomes Project 0.44589; TOPMed 0.53215; gnomAD 0.54654 and 0.54904.
gnomAD v4.1: 83,117 of 152,024 alleles (55%); highest among the groups gnomAD compares: Non-Finnish European, 67%; 24,107 homozygotes.

Submission:

GeneDx
Classification: Benign. Last evaluated: 2018-06-18. Review status: criteria provided, single submitter. Criteria: GeneDx Variant Classification (06012015). Collection method: clinical testing. Allele origin: germline. Affected: yes.
Comment: This variant is considered likely benign or benign based on one or more of the following criteria: it is a conservative change, it occurs at a poorly conserved position in the protein, it is predicted to be benign by multiple in silico algorithms, and/or has population frequency not consistent with disease.